The following is an entry in ClinVar:

ClinVar aggregate classification (germline): Uncertain significance (1 of 4 stars; one submission).

Conditions:
Atrioventricular septal defect 5 (AVSD5). Identifiers: MedGen C3280939, MONDO:0013769, OMIM 614474.

Allele frequency attached by ClinVar (database versions not stated): gnomAD exomes below 0.00001.
gnomAD v4.1: 2 of 1,595,496 alleles (0.00013%); highest among the groups gnomAD compares: Non-Finnish European, 0.00017%; no homozygotes.

Submission:

Labcorp Genetics (formerly Invitae), Labcorp
Classification: Uncertain significance for Atrioventricular septal defect 5. Last evaluated: 2023-06-05. Review status: criteria provided, single submitter. Criteria: Invitae Variant Classification Sherloc (09022015). Collection method: clinical testing. Allele origin: germline.
Comment: In summary, the available evidence is currently insufficient to determine the role of this variant in disease. Therefore, it has been classified as a Variant of Uncertain Significance. An algorithm developed to predict the effect of missense changes on protein structure and function (PolyPhen-2) suggests that this variant is likely to be disruptive. This variant has not been reported in the literature in individuals affected with GATA6-related conditions. This variant is not present in population databases (gnomAD no frequency). This sequence change replaces serine, which is neutral and polar, with phenylalanine, which is neutral and non-polar, at codon 45 of the GATA6 protein (p.Ser45Phe).

NM_005257.6(GATA6):c.134C>T (p.Ser45Phe)

Gene: GATA6 (GATA binding protein 6; plus strand). Cytogenetic location: 18q11.2.
Variant type: single nucleotide variant.
Coding change: c.134C>T on transcript NM_005257.6 (MANE Select); coding-DNA position 134, C replaced by T.
Protein change: p.Ser45Phe; replaces serine 45 with phenylalanine.
Molecular consequence: missense variant.
Genome position (GRCh38, 1-based): chr18:22,171,278, C>T. VCF-style: chr18-22171278-C-T. GRCh37 (hg19) VCF-style: chr18-19751239-C-T.
Other names: short protein forms S45F.
Identifiers: ClinVar variation 2805597 (VCV002805597.3), dbSNP rs2510625195, ClinGen allele CA401798782.